The following is an entry in ClinVar:

ClinVar aggregate classification (germline): Likely pathogenic (1 of 4 stars; one submission).

Conditions:
Muscular dystrophy-dystroglycanopathy (congenital with brain and eye anomalies), type a, 11 (MDDGA11). Also called: Congenital muscular dystrophy-dystroglycanopathy with brain and eye anomalies, type A11; WALKER-WARBURG SYNDROME OR MUSCLE-EYE-BRAIN DISEASE, B3GALNT2-RELATED; Muscular dystrophy-dystroglycanopathy (congenital with brain and eye anomalies, type A, 11. Identifiers: Orphanet 588, Orphanet 899, MedGen C3554638, MONDO:0014071, OMIM 615181.

Submission:

3billion
Classification: Likely pathogenic for Muscular dystrophy-dystroglycanopathy (congenital with brain and eye anomalies), type a, 11. Last evaluated: 2022-05-22. Review status: criteria provided, single submitter. Criteria: ACMG Guidelines, 2015. Collection method: clinical testing. Allele origin: germline. Affected: yes. Observed: 1 homozygote.
Comment: The variant is not observed in the gnomAD v2.1.1 dataset. Stop-gained (nonsense): predicted to result in a loss or disruption of normal protein function through protein truncation. The predicted truncated protein may be shortened by more than 10%. Therefore, this variant is classified as likely pathogenic according to the recommendation of ACMG/AMP guideline.

NM_152490.5(B3GALNT2):c.1338G>A (p.Trp446Ter)

Gene: B3GALNT2 (beta-1,3-N-acetylgalactosaminyltransferase 2; minus strand). Cytogenetic location: 1q42.3.
Variant type: single nucleotide variant.
Coding change: c.1338G>A on transcript NM_152490.5 (MANE Select); coding-DNA position 1338, G replaced by A.
Protein change: p.Trp446Ter; replaces tryptophan 446 with a stop codon.
Molecular consequence: nonsense.
Genome position (GRCh38, 1-based): chr1:235,453,120, C>T on the plus strand (G>A on the coding strand, the complement: B3GALNT2 is on the minus strand). VCF-style: chr1-235453120-C-T. GRCh37 (hg19) VCF-style: chr1-235616432-C-T.
Other names: short protein forms W446*.
Identifiers: ClinVar variation 1687389 (VCV001687389.1), dbSNP rs2102780481, ClinGen allele CA344956216.